The following is an entry in ClinVar:

NM_004655.4(AXIN2):c.1049C>T (p.Pro350Leu)

Gene: AXIN2 (axin 2; minus strand). Cytogenetic location: 17q24.1.
Variant type: single nucleotide variant.
Coding change: c.1049C>T on transcript NM_004655.4 (MANE Select); coding-DNA position 1049, C replaced by T.
Protein change: p.Pro350Leu; replaces proline 350 with leucine.
Molecular consequence: missense variant.
Genome position (GRCh38, 1-based): chr17:65,541,465, G>A on the plus strand (C>T on the coding strand, the complement: AXIN2 is on the minus strand). VCF-style: chr17-65541465-G-A. GRCh37 (hg19) VCF-style: chr17-63537583-G-A.
Other names: c.1049C>T (LRG_296t1); c.1049C>T, p.Pro350Leu (NM_001363813.1); short protein forms P350L.
Identifiers: ClinVar variation 643236 (VCV000643236.14), dbSNP rs1434576661, ClinGen allele CA400679104.

ClinVar aggregate classification (germline): Uncertain significance. Review status: criteria provided, multiple submitters, no conflicts (2 of 4 stars). 4 submissions from 4 submitters: Uncertain significance (4). Last evaluated 2025-12-29.

Conditions:
Oligodontia-cancer predisposition syndrome. Also called: TOOTH AGENESIS-COLORECTAL CANCER SYNDROME. Identifiers: Orphanet 300576, MedGen C1837750, MONDO:0012075, OMIM 608615. Disease mechanism: loss of function.
Colorectal cancer. Also called: Colorectal cancer, somatic; Malignant Colorectal Neoplasm. Identifiers: MedGen C0346629, MONDO:0005575, OMIM 114500.
Hereditary cancer-predisposing syndrome. Also called: Neoplastic Syndromes, Hereditary; Tumor predisposition; Hereditary neoplastic syndrome; Hereditary Cancer Syndrome. Identifiers: Orphanet 140162, MedGen C0027672, MeSH D009386, MONDO:0015356.

Allele frequency attached by ClinVar (database versions not stated): gnomAD exomes below 0.00001 and 0.00002.
gnomAD v4.1: 26 of 1,613,860 alleles (0.0016%); highest among the groups gnomAD compares: Non-Finnish European, 0.0022%; no homozygotes.

Submissions (4):

Labcorp Genetics (formerly Invitae), Labcorp
Classification: Uncertain significance for Oligodontia-cancer predisposition syndrome. Last evaluated: 2025-12-29. Review status: criteria provided, single submitter. Criteria: Invitae Variant Classification Sherloc (09022015). Collection method: clinical testing. Allele origin: germline.
Comment: This sequence change replaces proline, which is neutral and non-polar, with leucine, which is neutral and non-polar, at codon 350 of the AXIN2 protein (p.Pro350Leu). This variant is present in population databases (no rsID available, gnomAD 0.0009%). This variant has not been reported in the literature in individuals affected with AXIN2-related conditions. ClinVar contains an entry for this variant (Variation ID: 643236). Invitae Evidence Modeling of protein sequence and biophysical properties (such as structural, functional, and spatial information, amino acid conservation, physicochemical variation, residue mobility, and thermodynamic stability) indicates that this missense variant is expected to disrupt AXIN2 protein function with a positive predictive value of 80%. In summary, the available evidence is currently insufficient to determine the role of this variant in disease. Therefore, it has been classified as a Variant of Uncertain Significance.

Quest Diagnostics Nichols Institute San Juan Capistrano
Classification: Uncertain significance. Last evaluated: 2025-08-12. Review status: criteria provided, single submitter. Criteria: Quest Diagnostics criteria. Collection method: clinical testing. Allele origin: unknown.
Comment: The AXIN2 c.1049C>T (p.Pro350Leu) variant has not been reported in individuals with AXIN2-related conditions in the published literature. The frequency of this variant in the general population (Genome Aggregation Database) is uninformative in the assessment of its pathogenicity. Analysis of this variant using bioinformatics tools for the prediction of the effect of amino acid changes on protein structure and function yielded predictions that this variant is damaging. Based on the available information, we are unable to determine the clinical significance of this variant.

Ambry Genetics
Classification: Uncertain significance for Hereditary cancer-predisposing syndrome. Last evaluated: 2025-01-06. Review status: criteria provided, single submitter. Criteria: Ambry Variant Classification Scheme 2023. Collection method: clinical testing. Allele origin: germline.
Comment: The p.P350L variant (also known as c.1049C>T), located in coding exon 3 of the AXIN2 gene, results from a C to T substitution at nucleotide position 1049. The proline at codon 350 is replaced by leucine, an amino acid with similar properties. This amino acid position is highly conserved in available vertebrate species. In addition, this alteration is predicted to be deleterious by in silico analysis. Since supporting evidence is limited at this time, the clinical significance of this alteration remains unclear.

Baylor Genetics
Classification: Uncertain significance for Colorectal cancer. Last evaluated: 2024-01-04. Review status: criteria provided, single submitter. Criteria: ACMG Guidelines, 2015. Collection method: clinical testing. Allele origin: unknown.